The following is an entry in ClinVar:

ClinVar aggregate classification (germline): Pathogenic (1 of 4 stars; one submission).

Conditions:
Fanconi anemia (FA). Also called: Fanconi's anemia. Identifiers: Orphanet 84, MedGen C0015625, MeSH D005199, MONDO:0019391.

Submission:

Labcorp Genetics (formerly Invitae), Labcorp
Classification: Pathogenic for Fanconi anemia. Last evaluated: 2024-10-03. Review status: criteria provided, single submitter. Criteria: Invitae Variant Classification Sherloc (09022015). Collection method: clinical testing. Allele origin: germline.
Comment: This sequence change results in a frameshift in the FANCC gene (p.Leu554Argfs*46). While this is not anticipated to result in nonsense mediated decay, it is expected to disrupt the last 5 amino acid(s) of the FANCC protein and extend the protein by 40 additional amino acid residues. This variant is not present in population databases (gnomAD no frequency). This variant has not been reported in the literature in individuals affected with FANCC-related conditions. ClinVar contains an entry for this variant (Variation ID: 1946496). This variant disrupts a region of the FANCC protein in which other variant(s) (p.Leu554Pro) have been determined to be pathogenic (PMID: 8613549, 8703809, 9242535, 9398857, 11050007). This suggests that this is a clinically significant region of the protein, and that variants that disrupt it are likely to be disease-causing. For these reasons, this variant has been classified as Pathogenic.

Literature cited by the submitters: PubMed 8613549; PubMed 8703809; PubMed 9242535; PubMed 9398857; PubMed 11050007.

NM_000136.3(FANCC):c.1655_1658dup (p.Leu554fs)

Genes: AOPEP (aminopeptidase O (putative); plus strand), FANCC (FA complementation group C; minus strand). Cytogenetic location: 9q22.32.
Variant type: Duplication.
Coding change: c.1655_1658dup on transcript NM_000136.3 (MANE Select); coding-DNA positions 1655 to 1658, 4 bases duplicated (AAGA; older notation c.1655_1658dupAAGA).
Protein change: p.Leu554fs; shifts the reading frame from leucine 554.
Molecular consequence: frameshift variant.
Genome position (GRCh38, 1-based): chr9:95,101,726-95,101,729, TCTT duplicated on the plus strand (AAGA on the coding strand, the reverse complement: FANCC is on the minus strand); duplicating any 4 consecutive bases within chr9:95,101,726-95,101,730 gives the same sequence; the c. name uses the placement nearest the transcript's 3' end. VCF-style (leftmost placement, unchanged base first): chr9-95101725-C-CTCTT. GRCh37 (hg19) VCF-style: chr9-97864007-C-CTCTT.
Other names: c.1655_1658dup, p.Leu554fs (NM_001243743.2); short protein forms L554fs.
Identifiers: ClinVar variation 1946496 (VCV001946496.5), dbSNP rs2540749216, ClinGen allele CA2580080687.
Genomic context (GRCh38, chr9:95,101,725, plus strand): 5'-CCTGATCCCTCACGCCGGGCACCCACACGGCCTGCGTGCCTTCTAGACTTGAGTTCGCAG[C>CTCTT]TCTTTAAGGAGCTCTCGGGCCAGTTTTTCTGATCTAGGGCTTTCAATGCCAAGACGATTC-3'